The following is an entry in ClinVar:

ClinVar aggregate classification (germline): Uncertain significance (1 of 4 stars; one submission).

Conditions:
Hereditary cancer-predisposing syndrome. Also called: Neoplastic Syndromes, Hereditary; Tumor predisposition; Hereditary Cancer Syndrome; Hereditary neoplastic syndrome. Identifiers: Orphanet 140162, MedGen C0027672, MeSH D009386, MONDO:0015356.

Submission:

Ambry Genetics
Classification: Uncertain significance for Hereditary cancer-predisposing syndrome. Last evaluated: 2022-09-11. Review status: criteria provided, single submitter. Criteria: Ambry Variant Classification Scheme 2023. Collection method: clinical testing. Allele origin: germline.
Comment: The p.Y246F variant (also known as c.737A>T), located in coding exon 7 of the PRKAR1A gene, results from an A to T substitution at nucleotide position 737. The tyrosine at codon 246 is replaced by phenylalanine, an amino acid with highly similar properties. This amino acid position is conserved. In addition, the in silico prediction for this alteration is inconclusive. Since supporting evidence is limited at this time, the clinical significance of this alteration remains unclear.

NM_002734.5(PRKAR1A):c.737A>T (p.Tyr246Phe)

Gene: PRKAR1A (protein kinase cAMP-dependent type I regulatory subunit alpha; plus strand). Cytogenetic location: 17q24.2.
Variant type: single nucleotide variant.
Coding change: c.737A>T on transcript NM_002734.5 (MANE Select); coding-DNA position 737, A replaced by T.
Protein change: p.Tyr246Phe; replaces tyrosine 246 with phenylalanine.
Molecular consequence: missense variant.
Genome position (GRCh38, 1-based): chr17:68,527,868, A>T. VCF-style: chr17-68527868-A-T. GRCh37 (hg19) VCF-style: chr17-66524009-A-T.
Other names: c.737A>T, p.Tyr246Phe (NM_001276289.2, NM_001276290.1, NM_001278433.2 and 4 more transcripts); short protein forms Y246F.
Identifiers: ClinVar variation 1758601 (VCV001758601.2), dbSNP rs2509430931, ClinGen allele CA400753494.